The following is an entry in ClinVar:

NM_000064.4(C3):c.2842G>C (p.Asp948His)

Gene: C3 (complement C3; minus strand). Cytogenetic location: 19p13.3.
Variant type: single nucleotide variant.
Coding change: c.2842G>C on transcript NM_000064.4 (MANE Select); coding-DNA position 2842, G replaced by C.
Protein change: p.Asp948His; replaces aspartic acid 948 with histidine.
Molecular consequence: missense variant.
Genome position (GRCh38, 1-based): chr19:6,696,614, C>G on the plus strand (G>C on the coding strand, the complement: C3 is on the minus strand). VCF-style: chr19-6696614-C-G. GRCh37 (hg19) VCF-style: chr19-6696625-C-G.
Other names: short protein forms D948H.
Identifiers: ClinVar variation 2417652 (VCV002417652.6), dbSNP rs1967539515, ClinGen allele CA403632001.
Genomic context (GRCh38, chr19:6,696,614, plus strand): 5'-CTGCCAGCCCCTCAGCCCCTCCCCCTGCAGCCGACTCACCACGGCCCAGGCGTTCTGGAT[C>G]CAGGGTGCGAACAGCCACAGTTTTGTTCATTCTGATTCCTTCCGGCTACGCAGTGTTAGA-3'
Protein context (NP_000055.2, residues 938-958): MNKTVAVRTL[Asp948His]PERLGREGVQ

ClinVar aggregate classification (germline): Uncertain significance (1 of 4 stars; one submission).

Allele frequency attached by ClinVar (database versions not stated): gnomAD exomes below 0.00001; TOPMed 0.00001.
gnomAD v4.1: 1 of 1,614,084 alleles (0.000062%); highest among the groups gnomAD compares: Non-Finnish European, 0.000085%; no homozygotes.

Submission:

Labcorp Genetics (formerly Invitae), Labcorp
Classification: Uncertain significance. Last evaluated: 2022-01-06. Review status: criteria provided, single submitter. Criteria: Invitae Variant Classification Sherloc (09022015). Collection method: clinical testing. Allele origin: germline.
Comment: In summary, the available evidence is currently insufficient to determine the role of this variant in disease. Therefore, it has been classified as a Variant of Uncertain Significance. Algorithms developed to predict the effect of missense changes on protein structure and function are either unavailable or do not agree on the potential impact of this missense change (SIFT: "Tolerated"; PolyPhen-2: "Possibly Damaging"; Align-GVGD: "Class C0"). This variant has not been reported in the literature in individuals affected with C3-related conditions. This variant is not present in population databases (gnomAD no frequency). This sequence change replaces aspartic acid, which is acidic and polar, with histidine, which is basic and polar, at codon 948 of the C3 protein (p.Asp948His).